The following is an entry in ClinVar:

ClinVar aggregate classification (germline): Uncertain significance (1 of 4 stars; one submission).

Conditions:
Epilepsy, childhood absence, susceptibility to, 5. Identifiers: Orphanet 64280, MedGen C2677087, MONDO:0012843, OMIM 612269.
Epilepsy, childhood absence, susceptibility to, 1. Also called: Epilepsy, childhood absence 1. Identifiers: Orphanet 64280, MedGen C1838604, MONDO:0020759, OMIM 600131.

Submission:

Labcorp Genetics (formerly Invitae), Labcorp
Classification: Uncertain significance for Epilepsy, childhood absence, susceptibility to, 5; Epilepsy, childhood absence, susceptibility to, 1. Last evaluated: 2020-08-19. Review status: criteria provided, single submitter. Criteria: Invitae Variant Classification Sherloc (09022015). Collection method: clinical testing. Allele origin: germline.
Comment: In summary, the available evidence is currently insufficient to determine the role of this variant in disease. Therefore, it has been classified as a Variant of Uncertain Significance. Advanced modeling of protein sequence and biophysical properties (such as structural, functional, and spatial information, amino acid conservation, physicochemical variation, residue mobility, and thermodynamic stability) performed at Invitae indicates that this missense variant is expected to disrupt GABRB3 protein function. This variant has not been reported in the literature in individuals with GABRB3-related conditions. This variant is not present in population databases (ExAC no frequency). This sequence change replaces leucine with proline at codon 153 of the GABRB3 protein (p.Leu153Pro). The leucine residue is moderately conserved and there is a moderate physicochemical difference between leucine and proline.

NM_000814.6(GABRB3):c.458T>C (p.Leu153Pro)

Gene: GABRB3 (gamma-aminobutyric acid type A receptor subunit beta3; minus strand). Cytogenetic location: 15q12.
Variant type: single nucleotide variant.
Coding change: c.458T>C on transcript NM_000814.6 (MANE Select); coding-DNA position 458, T replaced by C.
Protein change: p.Leu153Pro; replaces leucine 153 with proline.
Molecular consequence: missense variant. On other transcripts: non-coding transcript variant (1).
Genome position (GRCh38, 1-based): chr15:26,621,317, A>G on the plus strand (T>C on the coding strand, the complement: GABRB3 is on the minus strand). VCF-style: chr15-26621317-A-G. GRCh37 (hg19) VCF-style: chr15-26866464-A-G.
Other names: c.203T>C, p.Leu68Pro (NM_001191320.2, NM_001278631.2); c.245T>C, p.Leu82Pro (NM_001191321.3); c.458T>C, p.Leu153Pro (NM_021912.5); short protein forms L153P, L68P, L82P.
Identifiers: ClinVar variation 1023812 (VCV001023812.8), dbSNP rs1892473840, ClinGen allele CA391460556.
Genomic context (GRCh38, chr15:26,621,317, plus strand): 5'-TATTCAACACCCATGCACCATGCAACAGCAAAATTGGTCCTGAAGAGGCACACAGACCTG[A>G]GCCCATACAGCACTGTCCCATCAGGGTGAAGACGGATCATGCGGTTTTTCACTGTCACTC-3'
Protein context (NP_000805.1, residues 143-163): LHPDGTVLYG[Leu153Pro]RITTTAACMM